The following is an entry in ClinVar:

NM_005215.4(DCC):c.1774A>G (p.Thr592Ala)

Gene: DCC (DCC netrin 1 receptor; plus strand). Cytogenetic location: 18q21.2.
Variant type: single nucleotide variant.
Coding change: c.1774A>G on transcript NM_005215.4 (MANE Select); coding-DNA position 1774, A replaced by G.
Protein change: p.Thr592Ala; replaces threonine 592 with alanine.
Molecular consequence: missense variant.
Genome position (GRCh38, 1-based): chr18:53,207,730, A>G. VCF-style: chr18-53207730-A-G. GRCh37 (hg19) VCF-style: chr18-50734100-A-G.
Other names: short protein forms T592A.
Identifiers: ClinVar variation 722507 (VCV000722507.4), dbSNP rs373013159, ClinGen allele CA8966980.

ClinVar aggregate classification (germline): Likely benign. Review status: criteria provided, multiple submitters, no conflicts (2 of 4 stars). 2 submissions from 2 submitters: Likely benign (2). Last evaluated 2025-05-10.

Conditions:
DCC-related disorder. Also called: DCC-related condition.

Allele frequency attached by ClinVar (database versions not stated): ESP Exome Variant Server 0.00015; gnomAD 0.00007; TOPMed 0.00010.
gnomAD v4.1: 116 of 1,613,352 alleles (0.0072%); highest among the groups gnomAD compares: Admixed American, 0.0017%; no homozygotes.

Submissions (2):

PreventionGenetics, part of Exact Sciences
Classification: Likely benign for DCC-related condition. Last evaluated: 2025-05-10. Review status: criteria provided, single submitter. Criteria: ACMG Guidelines, 2015. Collection method: clinical testing. Allele origin: germline.
Comment: This variant is classified as likely benign based on ACMG/AMP sequence variant interpretation guidelines (Richards et al. 2015 PMID: 25741868, with internal and published modifications).

Labcorp Genetics (formerly Invitae), Labcorp
Classification: Likely benign. Last evaluated: 2018-01-26. Review status: criteria provided, single submitter. Criteria: Invitae Variant Classification Sherloc (09022015). Collection method: clinical testing. Allele origin: germline.